The following is an entry in ClinVar:

ClinVar aggregate classification (germline): Pathogenic. Review status: criteria provided, multiple submitters, no conflicts (2 of 4 stars). 4 submissions from 4 submitters: Pathogenic (4). Last evaluated 2024-07-23.

Conditions:
Mowat-Wilson syndrome (MOWS). Also called: Classic Mowat-Wilson Syndrome. Identifiers: Orphanet 2152, MedGen C1856113, MONDO:0009341, OMIM 235730.

Submissions (4):

3billion
Classification: Pathogenic for Mowat-Wilson syndrome. Last evaluated: 2024-07-23. Review status: criteria provided, single submitter. Criteria: ACMG Guidelines, 2015. Collection method: clinical testing. Allele origin: germline. Affected: yes.
Comment: The variant is not observed in the gnomAD v4.0.0 dataset. Predicted Consequence/Location: Frameshift: predicted to result in a loss or disruption of normal protein function through nonsense-mediated decay (NMD) or protein truncation. Multiple pathogenic variants are reported downstream of the variant. The variant has been reported at least twice as pathogenic without evidence for the classification (ClinVar ID: VCV000641571 /PMID: 15121779). Therefore, this variant is classified as Pathogenic according to the recommendation of ACMG/AMP guideline.

GeneDx
Classification: Pathogenic. Last evaluated: 2023-03-22. Review status: criteria provided, single submitter. Criteria: GeneDx Variant Classification Process June 2021. Collection method: clinical testing. Allele origin: germline. Affected: yes.
Comment: Frameshift variant predicted to result in protein truncation or nonsense mediated decay in a gene for which loss of function is a known mechanism of disease; Not observed at significant frequency in large population cohorts (gnomAD); This variant is associated with the following publications: (PMID: 17203459, 31440721, 32196960, 15121779, 25899569)

Labcorp Genetics (formerly Invitae), Labcorp
Classification: Pathogenic for Mowat-Wilson syndrome. Last evaluated: 2022-10-26. Review status: criteria provided, single submitter. Criteria: Invitae Variant Classification Sherloc (09022015). Collection method: clinical testing. Allele origin: germline.
Comment: This variant is not present in population databases (gnomAD no frequency). This sequence change creates a premature translational stop signal (p.Glu286Valfs*8) in the ZEB2 gene. It is expected to result in an absent or disrupted protein product. Loss-of-function variants in ZEB2 are known to be pathogenic (PMID: 16053902). This premature translational stop signal has been observed in individual(s) with Mowat-Wilson syndrome (PMID: 15121779, 17203459, 25899569). In at least one individual the variant was observed to be de novo. For these reasons, this variant has been classified as Pathogenic. ClinVar contains an entry for this variant (Variation ID: 641571).

Institute of Human Genetics, University Hospital of Duesseldorf
Classification: Pathogenic for Mowat-Wilson syndrome. Review status: criteria provided, single submitter. Criteria: ACMG Guidelines, 2015. Collection method: not provided. Allele origin: germline. Inheritance: Autosomal dominant inheritance. Affected: yes.

Literature cited by the submitters: PubMed 15121779 (cited by 3billion and Labcorp Genetics (formerly Invitae), Labcorp); PubMed 16053902 (cited by Labcorp Genetics (formerly Invitae), Labcorp); PubMed 17203459 (cited by Labcorp Genetics (formerly Invitae), Labcorp); PubMed 25899569 (cited by Labcorp Genetics (formerly Invitae), Labcorp).

NM_014795.4(ZEB2):c.857_858del (p.Glu286fs)

Gene: ZEB2 (zinc finger E-box binding homeobox 2; minus strand). Cytogenetic location: 2q22.3.
Variant type: Microsatellite.
Coding change: c.857_858del on transcript NM_014795.4 (MANE Select); coding-DNA positions 857 to 858, 2 bases deleted (AG; older notation c.857_858delAG).
Protein change: p.Glu286fs; shifts the reading frame from glutamic acid 286.
Molecular consequence: frameshift variant.
Genome position (GRCh38, 1-based): chr2:144,401,257-144,401,258, CT deleted on the plus strand (AG on the coding strand, the reverse complement: ZEB2 is on the minus strand); deleting any 2 consecutive bases within chr2:144,401,257-144,401,260 gives the same sequence; the c. name uses the placement nearest the transcript's 3' end. VCF-style (leftmost placement, unchanged base first): chr2-144401256-ACT-A. GRCh37 (hg19) VCF-style: chr2-145158823-ACT-A.
Other names: c.857_858delAG (NM_014795.3); c.857_858del (NM_014795.3); c.785_786del, p.Glu262fs (NM_001171653.2); short protein forms E262fs, E286fs.
Identifiers: ClinVar variation 641571 (VCV000641571.8), dbSNP rs1573718630, ClinGen allele CA915942800.